The following is an entry in ClinVar:

NM_206933.4(USH2A):c.8222A>G (p.Gln2741Arg)

Gene: USH2A (usherin; minus strand). Cytogenetic location: 1q41.
Variant type: single nucleotide variant.
Coding change: c.8222A>G on transcript NM_206933.4 (MANE Select); coding-DNA position 8222, A replaced by G.
Protein change: p.Gln2741Arg; replaces glutamine 2741 with arginine.
Molecular consequence: missense variant.
Genome position (GRCh38, 1-based): chr1:215,888,427, T>C on the plus strand (A>G on the coding strand, the complement: USH2A is on the minus strand). VCF-style: chr1-215888427-T-C. GRCh37 (hg19) VCF-style: chr1-216061769-T-C.
Other names: short protein forms Q2741R.
Identifiers: ClinVar variation 1218114 (VCV001218114.7), dbSNP rs374456269, ClinGen allele CA1394661.

ClinVar aggregate classification (germline): Uncertain significance. Review status: criteria provided, multiple submitters, no conflicts (2 of 4 stars). 5 submissions from 4 submitters: Uncertain significance (4). 1 of the submissions does not count toward it. Last evaluated 2023-11-04.

Conditions:
Usher syndrome type 2A. Also called: USHER SYNDROME, TYPE IIA; RETINAL DISEASE IN USHER SYNDROME TYPE IIA, MODIFIER OF. Identifiers: Orphanet 231178, Orphanet 886, MedGen C1848634, MONDO:0010169, OMIM 276901.
Retinitis pigmentosa 39 (RP39). Identifiers: Orphanet 791, MedGen C3151138, MONDO:0013436, OMIM 613809.

Allele frequency attached by ClinVar (database versions not stated): ExAC 0.00001; gnomAD 0.00001; gnomAD exomes 0.00002.
gnomAD v4.1: 31 of 1,612,742 alleles (0.0019%); highest among the groups gnomAD compares: South Asian, 0.011%; no homozygotes.

Submissions (5):

Genome-Nilou Lab
Classification: Uncertain significance for Retinitis pigmentosa 39. Last evaluated: 2023-11-04. Review status: criteria provided, single submitter. Criteria: ACMG Guidelines, 2015. Collection method: clinical testing. Allele origin: germline. Affected: no.

Genome-Nilou Lab
Classification: Uncertain significance for Usher syndrome type 2A. Last evaluated: 2023-11-04. Review status: criteria provided, single submitter. Criteria: ACMG Guidelines, 2015. Collection method: clinical testing. Allele origin: germline. Affected: no.

Labcorp Genetics (formerly Invitae), Labcorp
Classification: Uncertain significance. Last evaluated: 2022-08-10. Review status: criteria provided, single submitter. Criteria: Invitae Variant Classification Sherloc (09022015). Collection method: clinical testing. Allele origin: germline.
Comment: This sequence change replaces glutamine, which is neutral and polar, with arginine, which is basic and polar, at codon 2741 of the USH2A protein (p.Gln2741Arg). This variant is present in population databases (rs374456269, gnomAD 0.01%). This variant has not been reported in the literature in individuals affected with USH2A-related conditions. ClinVar contains an entry for this variant (Variation ID: 1218114). Algorithms developed to predict the effect of missense changes on protein structure and function output the following: SIFT: "Tolerated"; PolyPhen-2: "Benign"; Align-GVGD: "Class C0". The arginine amino acid residue is found in multiple mammalian species, which suggests that this missense change does not adversely affect protein function. In summary, the available evidence is currently insufficient to determine the role of this variant in disease. Therefore, it has been classified as a Variant of Uncertain Significance.

GeneDx
Classification: Uncertain significance. Last evaluated: 2019-02-13. Review status: criteria provided, single submitter. Criteria: GeneDx Variant Classification Process June 2021. Collection method: clinical testing. Allele origin: germline. Affected: yes.
Comment: In silico analysis, which includes protein predictors and evolutionary conservation, supports that this variant does not alter protein structure/function; Has not been previously published as pathogenic or benign to our knowledge

Natera, Inc.
Classification: Uncertain significance for Usher syndrome type 2A. Last evaluated: 2020-05-04. Review status: no assertion criteria provided. Collection method: clinical testing. Allele origin: germline. Not counted in ClinVar's aggregate classification.